The following is an entry in ClinVar:

ClinVar aggregate classification (germline): Likely pathogenic (1 of 4 stars; one submission).

Conditions:
Charcot-Marie-Tooth disease type 4J (CMT4J). Also called: Charcot-Marie-Tooth Neuropathy Type 4J; CHARCOT-MARIE-TOOTH DISEASE, AUTOSOMAL RECESSIVE, TYPE 4J; CHARCOT-MARIE-TOOTH DISEASE, DEMYELINATING, TYPE 4J. Identifiers: Orphanet 139515, MedGen C1970011, MONDO:0012640, OMIM 611228.

Allele frequency attached by ClinVar (database versions not stated): gnomAD exomes below 0.00001; TOPMed 0.00001.
gnomAD v4.1: 3 of 1,603,312 alleles (0.00019%); highest among the groups gnomAD compares: Non-Finnish European, 0.00025%; no homozygotes.

Submission:

MGZ Medical Genetics Center
Classification: Likely pathogenic for Charcot-Marie-Tooth disease type 4J. Last evaluated: 2021-10-11. Review status: criteria provided, single submitter. Criteria: ACMG Guidelines, 2015. Collection method: clinical testing. Allele origin: germline. Affected: yes. Observed: 1 variant allele.
Comment: ACMG criteria applied: PVS1, PM2_SUP

NM_014845.6(FIG4):c.446+2T>C

Gene: FIG4 (FIG4 phosphoinositide 5-phosphatase; plus strand). Cytogenetic location: 6q21.
Variant type: single nucleotide variant.
Coding change: c.446+2T>C on transcript NM_014845.6 (MANE Select); the canonical splice donor site of the intron after coding-DNA position 446, T replaced by C.
Molecular consequence: splice donor variant.
Genome position (GRCh38, 1-based): chr6:109,727,267, T>C. VCF-style: chr6-109727267-T-C. GRCh37 (hg19) VCF-style: chr6-110048470-T-C.
Identifiers: ClinVar variation 1710074 (VCV001710074.1), dbSNP rs1775850515, ClinGen allele CA365217389.